The following is an entry in ClinVar:

ClinVar aggregate classification (germline): Likely benign. Review status: criteria provided, multiple submitters, no conflicts (2 of 4 stars). 2 submissions from 2 submitters: Likely benign (2). Last evaluated 2026-04-01.

Allele frequency attached by ClinVar (database versions not stated): gnomAD 0.00001 and 0.00002; ExAC 0.00003; gnomAD exomes 0.00003 and 0.00005; TOPMed 0.00003.
gnomAD v4.1: 20 of 1,613,830 alleles (0.0012%); highest among the groups gnomAD compares: Admixed American, 0.033%; no homozygotes.

Submissions (2):

CeGaT Center for Human Genetics Tuebingen
Classification: Likely benign. Last evaluated: 2026-04-01. Review status: criteria provided, single submitter. Criteria: CeGaT Center For Human Genetics Tuebingen Variant Classification Criteria Version 2. Collection method: clinical testing. Allele origin: germline. Affected: yes. Observed: 1 variant allele.
Comment: SZT2: BP4, BP7

Labcorp Genetics (formerly Invitae), Labcorp
Classification: Likely benign. Last evaluated: 2025-11-12. Review status: criteria provided, single submitter. Criteria: Invitae Variant Classification Sherloc (09022015). Collection method: clinical testing. Allele origin: germline.

NM_001365999.1(SZT2):c.2547T>A (p.Ile849=)

Gene: SZT2 (SZT2 subunit of KICSTOR complex; plus strand). Cytogenetic location: 1p34.2.
Variant type: single nucleotide variant.
Coding change: c.2547T>A on transcript NM_001365999.1 (MANE Select); coding-DNA position 2547, T replaced by A.
Protein change: p.Ile849=; no amino-acid change (isoleucine 849 retained).
Molecular consequence: synonymous variant.
Genome position (GRCh38, 1-based): chr1:43,424,859, T>A. VCF-style: chr1-43424859-T-A. GRCh37 (hg19) VCF-style: chr1-43890530-T-A.
Other names: c.2547T>A, p.Ile849= (NM_015284.4).
Identifiers: ClinVar variation 416981 (VCV000416981.12), dbSNP rs774483969, ClinGen allele CA808724.